The following is an entry in ClinVar:

NM_004628.5(XPC):c.906C>T (p.Phe302=)

Gene: XPC (XPC complex subunit, DNA damage recognition and repair factor; minus strand). Cytogenetic location: 3p25.1.
Variant type: single nucleotide variant.
Coding change: c.906C>T on transcript NM_004628.5 (MANE Select); coding-DNA position 906, C replaced by T.
Protein change: p.Phe302=; no amino-acid change (phenylalanine 302 retained).
Molecular consequence: synonymous variant. On other transcripts: non-coding transcript variant (2).
Genome position (GRCh38, 1-based): chr3:14,159,825, G>A on the plus strand (C>T on the coding strand, the complement: XPC is on the minus strand). VCF-style: chr3-14159825-G-A. GRCh37 (hg19) VCF-style: chr3-14201325-G-A.
Other names: c.327C>T, p.Phe109= (NM_001354726.2); c.906C>T, p.Phe302= (NM_001354727.2, NM_001354730.2); c.888C>T, p.Phe296= (NM_001354729.2).
Identifiers: ClinVar variation 3351303 (VCV003351303.2).

ClinVar aggregate classification (germline): Likely benign. Review status: criteria provided, single submitter (1 of 4 stars). 2 submissions from 2 submitters: Likely benign (1). 1 of the submissions does not count toward it. Last evaluated 2026-01-05.

Conditions:
XPC-related disorder. Also called: XPC-related condition.

gnomAD v4.1: 4 of 1,553,846 alleles (0.00026%); highest among the groups gnomAD compares: Middle Eastern, 0.017%; no homozygotes.

Submissions (2):

Labcorp Genetics (formerly Invitae), Labcorp
Classification: Likely benign. Last evaluated: 2026-01-05. Review status: criteria provided, single submitter. Criteria: Invitae Variant Classification Sherloc (09022015). Collection method: clinical testing. Allele origin: germline.

PreventionGenetics, part of Exact Sciences
Classification: Likely benign for XPC-related condition. Last evaluated: 2019-07-17. Review status: no assertion criteria provided. Collection method: clinical testing. Allele origin: germline. Not counted in ClinVar's aggregate classification.
Comment: This variant is classified as likely benign based on ACMG/AMP sequence variant interpretation guidelines (Richards et al. 2015 PMID: 25741868, with internal and published modifications).